The following is an entry in ClinVar:

ClinVar aggregate classification (germline): Conflicting classifications of pathogenicity. Review status: criteria provided, conflicting classifications (1 of 4 stars). 3 submissions from 3 submitters: Uncertain significance (2); Likely benign (1). Last evaluated 2026-08-24.

Conditions:
Hereditary cancer-predisposing syndrome. Also called: Hereditary neoplastic syndrome; Neoplastic Syndromes, Hereditary; Tumor predisposition; Hereditary Cancer Syndrome. Identifiers: Orphanet 140162, MedGen C0027672, MeSH D009386, MONDO:0015356.
Hereditary breast ovarian cancer syndrome. Also called: Hereditary breast and ovarian cancer syndrome (HBOC); Hereditary breast and ovarian cancer; Breast and ovarian cancer; Hereditary breast and/or ovarian cancer syndrome; Hereditary breast and ovarian cancer syndrome; BRCA1- and BRCA2-Associated Hereditary Breast and Ovarian Cancer. Identifiers: Orphanet 145, MedGen C0677776, MeSH D061325, MONDO:0003582. Disease mechanism: loss of function.

Submissions (3):

Ambry Genetics
Classification: Uncertain significance for Hereditary cancer-predisposing syndrome. Last evaluated: 2026-08-24. Review status: criteria provided, single submitter. Criteria: Ambry Variant Classification Scheme 2023. Collection method: clinical testing. Allele origin: germline.
Comment: The p.E2198D variant (also known as c.6594A>C), located in coding exon 10 of the BRCA2 gene, results from an A to C substitution at nucleotide position 6594. The glutamic acid at codon 2198 is replaced by aspartic acid, an amino acid with highly similar properties. This amino acid position is conserved. In addition, the in silico prediction for this alteration is inconclusive. Based on the available evidence, the clinical significance of this variant remains unclear.

University of Washington Department of Laboratory Medicine, University of Washington
Classification: Likely benign for Hereditary cancer-predisposing syndrome. Last evaluated: 2023-03-23. Review status: criteria provided, single submitter. Criteria: Dines et al. (Genet Med. 2020). Collection method: curation. Allele origin: germline.
Comment: Missense variant in a coldspot region where missense variants are very unlikely to be pathogenic (PMID:31911673).

BRCA2 exon 11 coldspot. Reclassification based on statistical prior probability.

Labcorp Genetics (formerly Invitae), Labcorp
Classification: Uncertain significance for Hereditary breast ovarian cancer syndrome. Last evaluated: 2022-06-13. Review status: criteria provided, single submitter. Criteria: Invitae Variant Classification Sherloc (09022015). Collection method: clinical testing. Allele origin: germline.
Comment: This variant has not been reported in the literature in individuals affected with BRCA2-related conditions. This variant is not present in population databases (gnomAD no frequency). This sequence change replaces glutamic acid, which is acidic and polar, with aspartic acid, which is acidic and polar, at codon 2198 of the BRCA2 protein (p.Glu2198Asp). In summary, the available evidence is currently insufficient to determine the role of this variant in disease. Therefore, it has been classified as a Variant of Uncertain Significance. Advanced modeling of protein sequence and biophysical properties (such as structural, functional, and spatial information, amino acid conservation, physicochemical variation, residue mobility, and thermodynamic stability) performed at Invitae indicates that this missense variant is not expected to disrupt BRCA2 protein function.

NM_000059.4(BRCA2):c.6594A>C (p.Glu2198Asp)

Gene: BRCA2 (BRCA2 DNA repair associated; plus strand). Cytogenetic location: 13q13.1.
Variant type: single nucleotide variant.
Coding change: c.6594A>C on transcript NM_000059.4 (MANE Select); coding-DNA position 6594, A replaced by C.
Protein change: p.Glu2198Asp; replaces glutamic acid 2198 with aspartic acid.
Molecular consequence: missense variant.
Genome position (GRCh38, 1-based): chr13:32,340,949, A>C. VCF-style: chr13-32340949-A-C. GRCh37 (hg19) VCF-style: chr13-32915086-A-C.
Other names: c.6594A>C, p.Glu2198Asp (NM_001406719.1, NM_001406720.1); short protein forms E2198D.
Identifiers: ClinVar variation 2043770 (VCV002043770.7), dbSNP rs2137528895, ClinGen allele CA387790045.
Genomic context (GRCh38, chr13:32,340,949, plus strand): 5'-TGTTTTGGGAAAAGAACAGGCTTCACCTAAAAACGTAAAAATGGAAATTGGTAAAACTGA[A>C]ACTTTTTCTGATGTTCCTGTGAAAACAAATATAGAAGTTTGTTCTACTTACTCCAAAGAT-3'
Protein context (NP_000050.3, residues 2188-2208): KNVKMEIGKT[Glu2198Asp]TFSDVPVKTN